The following is an entry in ClinVar:

NM_005535.3(IL12RB1):c.63C>T (p.Gly21=)

Gene: IL12RB1 (interleukin 12 receptor subunit beta 1; minus strand). Cytogenetic location: 19p13.11.
Variant type: single nucleotide variant.
Coding change: c.63C>T on transcript NM_005535.3 (MANE Select); coding-DNA position 63, C replaced by T.
Protein change: p.Gly21=; no amino-acid change (glycine 21 retained).
Molecular consequence: synonymous variant.
Genome position (GRCh38, 1-based): chr19:18,086,761, G>A on the plus strand (C>T on the coding strand, the complement: IL12RB1 is on the minus strand). VCF-style: chr19-18086761-G-A. GRCh37 (hg19) VCF-style: chr19-18197571-G-A.
Other names: c.63C>T, p.Gly21= (NM_001290023.2, NM_153701.3); c.183C>T, p.Gly61= (NM_001290024.2).
Identifiers: ClinVar variation 863020 (VCV000863020.2), dbSNP rs557334989, ClinGen allele CA9305389.
Genomic context (GRCh38, chr19:18,086,761, plus strand): 5'-CACATACACGTGCCTCCACCCAGCAAGAGGAGCCGCCATGCCAGGGTCAGGGGACTCACC[G>A]CCCTGCCTGGACAGCAGGAAGAGGAAGAGGAGGGGGACCACCCAGGTCACCAGCGGCTCC-3'
Protein context (NP_005526.1, residues 11-31): LLFLFLLSRQ[Gly21=]AACRTSECCF

ClinVar aggregate classification (germline): Conflicting classifications of pathogenicity. Review status: criteria provided, conflicting classifications (1 of 4 stars). 2 submissions from 2 submitters: Uncertain significance (1); Likely benign (1). Last evaluated 2024-07-03.

Conditions:
Mendelian susceptibility to mycobacterial diseases due to complete IL12RB1 deficiency. Also called: IL12RB1 DEFICIENCY; Immunodeficiency 30. Identifiers: Orphanet 319552, MedGen C4013949, MONDO:0013955, OMIM 614891.

Allele frequency attached by ClinVar (database versions not stated): ExAC 0.00001; gnomAD 0.00001; gnomAD exomes 0.00001; TOPMed 0.00001; 1000 Genomes Project 30x 0.00016; 1000 Genomes Project 0.00020.
gnomAD v4.1: 38 of 1,609,384 alleles (0.0024%); highest among the groups gnomAD compares: South Asian, 0.0044%; no homozygotes.

Submissions (2):

Blueprint Genetics
Classification: Likely benign. Last evaluated: 2024-07-03. Review status: criteria provided, single submitter. Criteria: ACMG Guidelines, 2015. Collection method: clinical testing. Allele origin: germline.

Labcorp Genetics (formerly Invitae), Labcorp
Classification: Uncertain significance for Immunodeficiency 30. Last evaluated: 2019-02-07. Review status: criteria provided, single submitter. Criteria: Invitae Variant Classification Sherloc (09022015). Collection method: clinical testing. Allele origin: germline.
Comment: This sequence change affects codon 21 of the IL12RB1 mRNA. It is a 'silent' change, meaning that it does not change the encoded amino acid sequence of the IL12RB1 protein. This variant is present in population databases (rs557334989, ExAC 0.02%). This variant has not been reported in the literature in individuals with IL12RB1-related conditions. Algorithms developed to predict the effect of sequence changes on RNA splicing suggest that this variant is not likely to affect RNA splicing, but this prediction has not been confirmed by published transcriptional studies. In summary, the available evidence is currently insufficient to determine the role of this variant in disease. Therefore, it has been classified as a Variant of Uncertain Significance.